The following is an entry in ClinVar:

NM_021008.4(DEAF1):c.699C>A (p.Asn233Lys)

Gene: DEAF1 (DEAF1 transcription factor; minus strand). Cytogenetic location: 11p15.5.
Variant type: single nucleotide variant.
Coding change: c.699C>A on transcript NM_021008.4 (MANE Select); coding-DNA position 699, C replaced by A.
Protein change: p.Asn233Lys; replaces asparagine 233 with lysine.
Molecular consequence: missense variant. On other transcripts: 5 prime UTR variant (4), intron variant (1).
Genome position (GRCh38, 1-based): chr11:686,963, G>T on the plus strand (C>A on the coding strand, the complement: DEAF1 is on the minus strand). VCF-style: chr11-686963-G-T. GRCh37 (hg19) VCF-style: chr11-686963-G-T.
Other names: c.-28C>A (NM_001367390.1, NM_001440885.1, NM_001440886.1 and 1 more transcripts); c.699C>A, p.Asn233Lys (NM_001440883.1, NM_001440884.1); c.664+948C>A (NM_001293634.2); short protein forms N233K.
Identifiers: ClinVar variation 3663618 (VCV003663618.2).
Genomic context (GRCh38, chr11:686,963, plus strand): 5'-TTTCCAGTCCTTACTGCTGGCTCTTCCTGCCATGGCCTCAAACTCGGTGGGACTGTACCA[G>T]TTCTCCCCCTGCTTGATGCACCGTCCCCGGCCGCCTGCAAGGAAGGGCAGCAGTCATGAT-3'
Protein context (NP_066288.2, residues 223-243): GRGRCIKQGE[Asn233Lys]WYSPTEFEAM

ClinVar aggregate classification (germline): Uncertain significance (1 of 4 stars; one submission).

Submission:

Labcorp Genetics (formerly Invitae), Labcorp
Classification: Uncertain significance. Last evaluated: 2025-07-09. Review status: criteria provided, single submitter. Criteria: Invitae Variant Classification Sherloc (09022015). Collection method: clinical testing. Allele origin: germline.
Comment: This sequence change replaces asparagine, which is neutral and polar, with lysine, which is basic and polar, at codon 233 of the DEAF1 protein (p.Asn233Lys). This variant is not present in population databases (gnomAD no frequency). This variant has not been reported in the literature in individuals affected with DEAF1-related conditions. ClinVar contains an entry for this variant (Variation ID: 3663618). Invitae Evidence Modeling of protein sequence and biophysical properties (such as structural, functional, and spatial information, amino acid conservation, physicochemical variation, residue mobility, and thermodynamic stability) indicates that this missense variant is not expected to disrupt DEAF1 protein function with a negative predictive value of 95%. In summary, the available evidence is currently insufficient to determine the role of this variant in disease. Therefore, it has been classified as a Variant of Uncertain Significance.